The following is an entry in ClinVar:

ClinVar aggregate classification (germline): Pathogenic/Likely pathogenic. Review status: criteria provided, multiple submitters, no conflicts (2 of 4 stars). 3 submissions from 3 submitters: Pathogenic (1); Likely pathogenic (1). 1 of the submissions does not count toward it. Last evaluated 2023-12-07.

Conditions:
Bardet-Biedl syndrome 7 (BBS7). Identifiers: Orphanet 110, MedGen C1859565, MONDO:0014435, OMIM 615984.
BBS7-related disorder. Also called: BBS7-related condition.
Bardet-Biedl syndrome (BBS). Identifiers: Orphanet 110, MedGen C0752166, MONDO:0015229.

Allele frequency attached by ClinVar (database versions not stated): gnomAD exomes 0.00001.
gnomAD v4.1: 7 of 1,613,882 alleles (0.00043%); highest among the groups gnomAD compares: Non-Finnish European, 0.00059%; no homozygotes.

Submissions (3):

Labcorp Genetics (formerly Invitae), Labcorp
Classification: Pathogenic for Bardet-Biedl syndrome. Last evaluated: 2023-12-07. Review status: criteria provided, single submitter. Criteria: Invitae Variant Classification Sherloc (09022015). Collection method: clinical testing. Allele origin: germline.
Comment: This sequence change creates a premature translational stop signal (p.Tyr486*) in the BBS7 gene. It is expected to result in an absent or disrupted protein product. Loss-of-function variants in BBS7 are known to be pathogenic (PMID: 12567324, 19402160, 21209035, 31196119). This variant is present in population databases (no rsID available, gnomAD 0.002%). This variant has not been reported in the literature in individuals affected with BBS7-related conditions. ClinVar contains an entry for this variant (Variation ID: 1362137). For these reasons, this variant has been classified as Pathogenic.

Baylor Genetics
Classification: Likely pathogenic for Bardet-Biedl syndrome 7. Last evaluated: 2023-07-28. Review status: criteria provided, single submitter. Criteria: ACMG Guidelines, 2015. Collection method: clinical testing. Allele origin: unknown.

PreventionGenetics, part of Exact Sciences
Classification: Likely pathogenic for BBS7-related condition. Last evaluated: 2024-08-28. Review status: no assertion criteria provided. Collection method: clinical testing. Allele origin: germline. Not counted in ClinVar's aggregate classification.
Comment: The BBS7 c.1458C>G variant is predicted to result in premature protein termination (p.Tyr486*). This variant was reported in a carrier screening paper, but to our knowledge, has not been reported in any individuals with Bardet-Biedl syndrome (Hanany et al. 2020. PubMed ID: 31964843). This variant is reported in 0.0018% of alleles in individuals of European (Non-Finnish) descent in gnomAD. Nonsense variants in BBS7 are expected to be pathogenic. This variant is interpreted as likely pathogenic.

Literature cited by the submitters: PubMed 12567324 (cited by Labcorp Genetics (formerly Invitae), Labcorp); PubMed 19402160 (cited by Labcorp Genetics (formerly Invitae), Labcorp); PubMed 21209035 (cited by Labcorp Genetics (formerly Invitae), Labcorp); PubMed 31196119 (cited by Labcorp Genetics (formerly Invitae), Labcorp).

NM_176824.3(BBS7):c.1458C>G (p.Tyr486Ter)

Gene: BBS7 (Bardet-Biedl syndrome 7; minus strand). Cytogenetic location: 4q27.
Variant type: single nucleotide variant.
Coding change: c.1458C>G on transcript NM_176824.3 (MANE Select); coding-DNA position 1458, C replaced by G.
Protein change: p.Tyr486Ter; replaces tyrosine 486 with a stop codon.
Molecular consequence: nonsense.
Genome position (GRCh38, 1-based): chr4:121,835,197, G>C on the plus strand (C>G on the coding strand, the complement: BBS7 is on the minus strand). VCF-style: chr4-121835197-G-C. GRCh37 (hg19) VCF-style: chr4-122756352-G-C.
Other names: c.1458C>G (NM_176824.2); c.1458C>G, p.Tyr486Ter (NM_018190.4); short protein forms Y486*.
Identifiers: ClinVar variation 1362137 (VCV001362137.8), dbSNP rs1470030897, ClinGen allele CA358058626.